The following is an entry in ClinVar:

NM_001852.4(COL9A2):c.848G>A (p.Gly283Asp)

Gene: COL9A2 (collagen type IX alpha 2 chain; minus strand). Cytogenetic location: 1p34.2.
Variant type: single nucleotide variant.
Coding change: c.848G>A on transcript NM_001852.4 (MANE Select); coding-DNA position 848, G replaced by A.
Protein change: p.Gly283Asp; replaces glycine 283 with aspartic acid.
Molecular consequence: missense variant.
Genome position (GRCh38, 1-based): chr1:40,308,244, C>T on the plus strand (G>A on the coding strand, the complement: COL9A2 is on the minus strand). VCF-style: chr1-40308244-C-T. GRCh37 (hg19) VCF-style: chr1-40773916-C-T.
Other names: short protein forms G283D.
Identifiers: ClinVar variation 1400214 (VCV001400214.6), dbSNP rs2124074821, ClinGen allele CA339853001.

ClinVar aggregate classification (germline): Uncertain significance (1 of 4 stars; one submission).

Allele frequency attached by ClinVar (database versions not stated): gnomAD exomes below 0.00001.
gnomAD v4.1: 1 of 1,613,880 alleles (0.000062%); highest among the groups gnomAD compares: Non-Finnish European, 0.000085%; no homozygotes.

Submission:

Labcorp Genetics (formerly Invitae), Labcorp
Classification: Uncertain significance. Last evaluated: 2022-08-23. Review status: criteria provided, single submitter. Criteria: Invitae Variant Classification Sherloc (09022015). Collection method: clinical testing. Allele origin: germline.
Comment: This sequence change replaces glycine, which is neutral and non-polar, with aspartic acid, which is acidic and polar, at codon 283 of the COL9A2 protein (p.Gly283Asp). This variant is not present in population databases (gnomAD no frequency). This variant has not been reported in the literature in individuals affected with COL9A2-related conditions. ClinVar contains an entry for this variant (Variation ID: 1400214). Algorithms developed to predict the effect of missense changes on protein structure and function (SIFT, PolyPhen-2, Align-GVGD) all suggest that this variant is likely to be disruptive. In summary, the available evidence is currently insufficient to determine the role of this variant in disease. Therefore, it has been classified as a Variant of Uncertain Significance.